The following is an entry in ClinVar:

NM_001367534.1(CAMK2G):c.1564A>G (p.Thr522Ala)

Gene: CAMK2G (calcium/calmodulin dependent protein kinase II gamma; minus strand). Cytogenetic location: 10q22.2.
Variant type: single nucleotide variant.
Coding change: c.1564A>G on transcript NM_001367534.1 (MANE Select); coding-DNA position 1564, A replaced by G.
Protein change: p.Thr522Ala; replaces threonine 522 with alanine.
Molecular consequence: missense variant. On other transcripts: non-coding transcript variant (8).
Genome position (GRCh38, 1-based): chr10:73,815,218, T>C on the plus strand (A>G on the coding strand, the complement: CAMK2G is on the minus strand). VCF-style: chr10-73815218-T-C. GRCh37 (hg19) VCF-style: chr10-75574976-T-C.
Other names: c.1417A>G, p.Thr473Ala (NM_001204492.2); c.1285A>G, p.Thr429Ala (NM_001222.4); c.1354A>G, p.Thr452Ala (NM_001367516.1, NM_001367517.1, NM_172170.5); c.1432A>G, p.Thr478Ala (NM_001367518.1); c.1444A>G, p.Thr482Ala (NM_001367525.1); c.1462A>G, p.Thr488Ala (NM_001367527.1); c.1318A>G, p.Thr440Ala (NM_001367530.1); c.1387A>G, p.Thr463Ala (NM_001367531.1); and 14 more; short protein forms T260A, T363A, T408A, T429A, T438A, T440A, T444A, T452A.
Identifiers: ClinVar variation 2571725 (VCV002571725.1), dbSNP rs2547800313, ClinGen allele CA377296262.

ClinVar aggregate classification (germline): Uncertain significance (1 of 4 stars; one submission).

Submission:

GeneDx
Classification: Uncertain significance. Last evaluated: 2022-12-22. Review status: criteria provided, single submitter. Criteria: GeneDx Variant Classification Process June 2021. Collection method: clinical testing. Allele origin: germline. Affected: yes.
Comment: Not observed at significant frequency in large population cohorts (gnomAD); In silico analysis supports that this missense variant has a deleterious effect on protein structure/function; Has not been previously published as pathogenic or benign to our knowledge